The following is an entry in ClinVar:

NM_004304.5(ALK):c.755C>T (p.Ser252Phe)

Gene: ALK (ALK receptor tyrosine kinase; minus strand). Cytogenetic location: 2p23.2.
Variant type: single nucleotide variant.
Coding change: c.755C>T on transcript NM_004304.5 (MANE Select); coding-DNA position 755, C replaced by T.
Protein change: p.Ser252Phe; replaces serine 252 with phenylalanine.
Molecular consequence: missense variant.
Genome position (GRCh38, 1-based): chr2:29,717,610, G>A on the plus strand (C>T on the coding strand, the complement: ALK is on the minus strand). VCF-style: chr2-29717610-G-A. GRCh37 (hg19) VCF-style: chr2-29940476-G-A.
Other names: short protein forms S252F.
Identifiers: ClinVar variation 849745 (VCV000849745.10), dbSNP rs868525145, ClinGen allele CA346587668.

ClinVar aggregate classification (germline): Uncertain significance. Review status: criteria provided, multiple submitters, no conflicts (2 of 4 stars). 2 submissions from 2 submitters: Uncertain significance (2). Last evaluated 2025-12-07.

Conditions:
Neuroblastoma, susceptibility to, 3. Also called: ALK-Related Neuroblastic Tumor Susceptibility. Identifiers: Orphanet 635, MedGen C2751681, MONDO:0013083, OMIM 613014.
Hereditary cancer-predisposing syndrome. Also called: Neoplastic Syndromes, Hereditary; Hereditary Cancer Syndrome; Hereditary neoplastic syndrome; Tumor predisposition. Identifiers: Orphanet 140162, MedGen C0027672, MeSH D009386, MONDO:0015356.

Submissions (2):

Ambry Genetics
Classification: Uncertain significance for Hereditary cancer-predisposing syndrome. Last evaluated: 2025-12-07. Review status: criteria provided, single submitter. Criteria: Ambry Variant Classification Scheme 2023. Collection method: clinical testing. Allele origin: germline.
Comment: The p.S252F variant (also known as c.755C>T), located in coding exon 2 of the ALK gene, results from a C to T substitution at nucleotide position 755. The serine at codon 252 is replaced by phenylalanine, an amino acid with highly dissimilar properties. This amino acid position is conserved. In addition, the in silico prediction for this alteration is inconclusive. Based on the available evidence, the clinical significance of this variant remains unclear.

Labcorp Genetics (formerly Invitae), Labcorp
Classification: Uncertain significance for Neuroblastoma, susceptibility to, 3. Last evaluated: 2019-11-26. Review status: criteria provided, single submitter. Criteria: Invitae Variant Classification Sherloc (09022015). Collection method: clinical testing. Allele origin: germline.
Comment: This sequence change replaces serine with phenylalanine at codon 252 of the ALK protein (p.Ser252Phe). The serine residue is moderately conserved and there is a large physicochemical difference between serine and phenylalanine. In summary, the available evidence is currently insufficient to determine the role of this variant in disease. Therefore, it has been classified as a Variant of Uncertain Significance. Algorithms developed to predict the effect of missense changes on protein structure and function are either unavailable or do not agree on the potential impact of this missense change (SIFT: "Deleterious"; PolyPhen-2: "Possibly Damaging"; Align-GVGD: "Class C0"). This variant has not been reported in the literature in individuals with ALK-related conditions. This variant is not present in population databases (ExAC no frequency).